The following is an entry in ClinVar:

ClinVar aggregate classification (germline): Uncertain significance (1 of 4 stars; one submission).

Allele frequency attached by ClinVar (database versions not stated): gnomAD exomes below 0.00001; TOPMed 0.00001.
gnomAD v4.1: 6 of 1,614,174 alleles (0.00037%); highest among the groups gnomAD compares: Non-Finnish European, 0.00051%; no homozygotes.

Submission:

Labcorp Genetics (formerly Invitae), Labcorp
Classification: Uncertain significance. Last evaluated: 2022-08-31. Review status: criteria provided, single submitter. Criteria: Invitae Variant Classification Sherloc (09022015). Collection method: clinical testing. Allele origin: germline.
Comment: This sequence change replaces aspartic acid, which is acidic and polar, with asparagine, which is neutral and polar, at codon 496 of the LONP1 protein (p.Asp496Asn). This variant is present in population databases (no rsID available, gnomAD 0.002%). This variant has not been reported in the literature in individuals affected with LONP1-related conditions. ClinVar contains an entry for this variant (Variation ID: 1408587). Algorithms developed to predict the effect of missense changes on protein structure and function are either unavailable or do not agree on the potential impact of this missense change (SIFT: "Deleterious"; PolyPhen-2: "Probably Damaging"; Align-GVGD: "Class C0"). In summary, the available evidence is currently insufficient to determine the role of this variant in disease. Therefore, it has been classified as a Variant of Uncertain Significance.

NM_004793.4(LONP1):c.1486G>A (p.Asp496Asn)

Gene: LONP1 (lon peptidase 1, mitochondrial; minus strand). Cytogenetic location: 19p13.3.
Variant type: single nucleotide variant.
Coding change: c.1486G>A on transcript NM_004793.4 (MANE Select); coding-DNA position 1486, G replaced by A.
Protein change: p.Asp496Asn; replaces aspartic acid 496 with asparagine.
Molecular consequence: missense variant. On other transcripts: non-coding transcript variant (1).
Genome position (GRCh38, 1-based): chr19:5,700,809, C>T on the plus strand (G>A on the coding strand, the complement: LONP1 is on the minus strand). VCF-style: chr19-5700809-C-T. GRCh37 (hg19) VCF-style: chr19-5700820-C-T.
Other names: c.1294G>A, p.Asp432Asn (NM_001276479.2); c.898G>A, p.Asp300Asn (NM_001276480.1); short protein forms D432N, D496N, D300N.
Identifiers: ClinVar variation 1408587 (VCV001408587.7), dbSNP rs1296975018, ClinGen allele CA403531359.